The following is an entry in ClinVar:

ClinVar aggregate classification (germline): Uncertain significance (1 of 4 stars; one submission).

Conditions:
Episodic ataxia type 2 (EA2). Also called: ATAXIA, EPISODIC, WITH NYSTAGMUS; ATAXIA, FAMILIAL PAROXYSMAL; CEREBELLAR ATAXIA, PAROXYSMAL, ACETAZOLAMIDE-RESPONSIVE; CEREBELLOPATHY, HEREDITARY PAROXYSMAL; EPISODIC ATAXIA, NYSTAGMUS-ASSOCIATED; ACETAZOLAMIDE-RESPONSIVE HEREDITARY PAROXYSMAL CEREBELLAR ATAXIA. Identifiers: Orphanet 97, MedGen C1720416, MONDO:0007163, OMIM 108500.
Developmental and epileptic encephalopathy, 42 (DEE42A). Also called: Epileptic encephalopathy, early infantile, 42; DEVELOPMENTAL AND EPILEPTIC ENCEPHALOPATHY 42A; EPILEPTIC ENCEPHALOPATHY, EARLY INFANTILE, 42A. Identifiers: MedGen C4310716, MONDO:0014917, OMIM 617106.

Allele frequency attached by ClinVar (database versions not stated): gnomAD 0.00001; TOPMed 0.00001.
gnomAD v4.1: 9 of 1,392,234 alleles (0.00065%); highest among the groups gnomAD compares: Non-Finnish European, 0.00075%; no homozygotes.

Submission:

Labcorp Genetics (formerly Invitae), Labcorp
Classification: Uncertain significance for Developmental and epileptic encephalopathy, 42; Episodic ataxia type 2. Last evaluated: 2022-10-25. Review status: criteria provided, single submitter. Criteria: Invitae Variant Classification Sherloc (09022015). Collection method: clinical testing. Allele origin: germline.
Comment: This sequence change replaces arginine, which is basic and polar, with tryptophan, which is neutral and slightly polar, at codon 2143 of the CACNA1A protein (p.Arg2143Trp). This variant is not present in population databases (gnomAD no frequency). This variant has not been reported in the literature in individuals affected with CACNA1A-related conditions. Advanced modeling of protein sequence and biophysical properties (such as structural, functional, and spatial information, amino acid conservation, physicochemical variation, residue mobility, and thermodynamic stability) performed at Invitae indicates that this missense variant is not expected to disrupt CACNA1A protein function. In summary, the available evidence is currently insufficient to determine the role of this variant in disease. Therefore, it has been classified as a Variant of Uncertain Significance.

NM_001127222.2(CACNA1A):c.6424C>T (p.Arg2142Trp)

Gene: CACNA1A (calcium voltage-gated channel subunit alpha1 A; minus strand). Cytogenetic location: 19p13.13.
Variant type: single nucleotide variant.
Coding change: c.6424C>T on transcript NM_001127222.2 (MANE Select); coding-DNA position 6424, C replaced by T.
Protein change: p.Arg2142Trp; replaces arginine 2142 with tryptophan.
Molecular consequence: missense variant.
Genome position (GRCh38, 1-based): chr19:13,209,414, G>A on the plus strand (C>T on the coding strand, the complement: CACNA1A is on the minus strand). VCF-style: chr19-13209414-G-A. GRCh37 (hg19) VCF-style: chr19-13320228-G-A.
Other names: c.6442C>T, p.Arg2148Trp (NM_000068.4, NM_023035.3); c.6427C>T, p.Arg2143Trp (NM_001127221.2); c.6433C>T, p.Arg2145Trp (NM_001174080.2); short protein forms R2142W, R2145W, R2143W, R2148W.
Identifiers: ClinVar variation 1958033 (VCV001958033.5), dbSNP rs867378853, ClinGen allele CA305548186.